The following is an entry in ClinVar:

ClinVar aggregate classification (germline): Uncertain significance (1 of 4 stars; one submission).

Conditions:
Microcephaly, normal intelligence and immunodeficiency (NBS). Also called: IMMUNODEFICIENCY, MICROCEPHALY, AND CHROMOSOMAL INSTABILITY; SEEMANOVA SYNDROME II; Immunodeficiency, microcephaly with normal intelligence; Ataxia telangiectasia variant V1; Nijmegen breakage syndrome; Microcephaly with normal intelligence immunodeficiency and lymphoreticular malignancies. Identifiers: Orphanet 647, MedGen C0398791, MONDO:0009623, OMIM 251260.

Submission:

Labcorp Genetics (formerly Invitae), Labcorp
Classification: Uncertain significance for Microcephaly, normal intelligence and immunodeficiency. Last evaluated: 2019-02-07. Review status: criteria provided, single submitter. Criteria: Invitae Variant Classification Sherloc (09022015). Collection method: clinical testing. Allele origin: germline.
Comment: In summary, the available evidence is currently insufficient to determine the role of this variant in disease. Therefore, it has been classified as a Variant of Uncertain Significance. Nucleotide substitutions within the consensus splice site are a relatively common cause of aberrant splicing (PMID: 17576681, 9536098). Algorithms developed to predict the effect of sequence changes on RNA splicing suggest that this variant may disrupt the consensus splice site, but this prediction has not been confirmed by published transcriptional studies. This variant has not been reported in the literature in individuals with NBN-related disease. ClinVar contains an entry for this variant (Variation ID: 411793). This variant is not present in population databases (ExAC no frequency). This sequence change falls in intron 10 of the NBN gene. It does not directly change the encoded amino acid sequence of the NBN protein, but it affects a nucleotide within the consensus splice site of the intron.

Literature cited by the submitters: PubMed 17576681; PubMed 9536098.

NM_002485.5(NBN):c.1397+5G>C

Gene: NBN (nibrin; minus strand). Cytogenetic location: 8q21.3.
Variant type: single nucleotide variant.
Coding change: c.1397+5G>C on transcript NM_002485.5 (MANE Select); 5 bases into the intron after coding-DNA position 1397, G replaced by C.
Molecular consequence: intron variant.
Genome position (GRCh38, 1-based): chr8:89,955,278, C>G on the plus strand (G>C on the coding strand, the complement: NBN is on the minus strand). VCF-style: chr8-89955278-C-G. GRCh37 (hg19) VCF-style: chr8-90967506-C-G.
Other names: c.1151+5G>C (NM_001024688.3).
Identifiers: ClinVar variation 411793 (VCV000411793.8), dbSNP rs1060503489, ClinGen allele CA16612481.